The following is an entry in ClinVar:

ClinVar aggregate classification (germline): Uncertain significance. Review status: criteria provided, multiple submitters, no conflicts (2 of 4 stars). 3 submissions from 3 submitters: Uncertain significance (3). Last evaluated 2025-02-27.

Conditions:
Lung cancer. Also called: Malignant tumor of lung; Lung cancer, somatic. Identifiers: MedGen C0242379, MONDO:0008903, OMIM 211980.
Colorectal cancer. Also called: Colorectal cancer, somatic; Malignant Colorectal Neoplasm. Identifiers: MedGen C0346629, MONDO:0005575, OMIM 114500.
Cardiofaciocutaneous syndrome 1 (CFC1). Also called: BRAF-Related Cardiofaciocutaneous Syndrome; MAP2K1-Related Cardiofaciocutaneous Syndrome; KRAS-Related Cardiofaciocutaneous Syndrome; MAP2K2-Related Cardiofaciocutaneous Syndrome. Identifiers: Orphanet 1340, MedGen CN029449, MONDO:0007265, OMIM 115150. Disease mechanism: gain of function.
Melanoma, cutaneous malignant, susceptibility to, 1 (CMM1). Also called: MELANOMA, MALIGNANT; DYSPLASTIC NEVUS SYNDROME, HEREDITARY; FAMILIAL ATYPICAL MOLE-MALIGNANT MELANOMA SYNDROME; B-K MOLE SYNDROME. Identifiers: Orphanet 618, MedGen C1835047, MONDO:0007963, OMIM 155600.
Noonan syndrome 7 (NS7). Also called: BRAF-Related Noonan Syndrome. Identifiers: Orphanet 648, MedGen C3150970, MONDO:0013379, OMIM 613706.
LEOPARD syndrome 3 (LPRD3). Identifiers: Orphanet 500, MedGen C3150971, MONDO:0013380, OMIM 613707.
Cardiovascular phenotype. Identifiers: MedGen CN230736.

Allele frequency attached by ClinVar (database versions not stated): gnomAD exomes below 0.00001; TOPMed below 0.00001; ExAC 0.00001.
gnomAD v4.1: 3 of 1,611,930 alleles (0.00019%); highest among the groups gnomAD compares: Non-Finnish European, 0.00025%; no homozygotes.

Submissions (3):

Ambry Genetics
Classification: Uncertain significance for Cardiovascular phenotype. Last evaluated: 2025-02-27. Review status: criteria provided, single submitter. Criteria: Ambry Variant Classification Scheme 2023. Collection method: clinical testing. Allele origin: germline.
Comment: The p.C173R variant (also known as c.517T>C), located in coding exon 4 of the BRAF gene, results from a T to C substitution at nucleotide position 517. The cysteine at codon 173 is replaced by arginine, an amino acid with highly dissimilar properties. This amino acid position is conserved. In addition, this alteration is predicted to be deleterious by in silico analysis. Based on the available evidence, the clinical significance of this variant remains unclear.

Fulgent Genetics
Classification: Uncertain significance for Colorectal cancer; Cardiofaciocutaneous syndrome 1; Melanoma, cutaneous malignant, susceptibility to, 1; Lung cancer; Noonan syndrome 7; LEOPARD syndrome 3. Last evaluated: 2024-06-18. Review status: criteria provided, single submitter. Criteria: ACMG Guidelines, 2015. Collection method: clinical testing. Allele origin: germline.

GeneDx
Classification: Uncertain significance. Last evaluated: 2017-04-13. Review status: criteria provided, single submitter. Criteria: GeneDx Variant Classification (06012015). Collection method: clinical testing. Allele origin: germline. Affected: yes.
Comment: The C173R variant has not been published as a pathogenic variant, nor has it been reported as a benign variant to our knowledge. The C173R variant is observed in 1/66624 (0.0015%) alleles from individuals of European background, in the ExAC dataset (Lek et al., 2016). The C173R variant is a non-conservative amino acid substitution, which is likely to impact secondary protein structure as these residues differ in polarity, charge, size and/or other properties. This substitution occurs at a position that is conserved across species. In silico analysis predicts this variant is probably damaging to the protein structure/function. In summary, based on the currently available information, it is unclear whether this variant is a pathogenic variant or a rare benign variant.

NM_004333.6(BRAF):c.517T>C (p.Cys173Arg)

Gene: BRAF (B-Raf proto-oncogene, serine/threonine kinase; minus strand). Cytogenetic location: 7q34.
Variant type: single nucleotide variant.
Coding change: c.517T>C on transcript NM_004333.6 (MANE Select); coding-DNA position 517, T replaced by C.
Protein change: p.Cys173Arg; replaces cysteine 173 with arginine.
Molecular consequence: missense variant.
Genome position (GRCh38, 1-based): chr7:140,808,983, A>G on the plus strand (T>C on the coding strand, the complement: BRAF is on the minus strand). VCF-style: chr7-140808983-A-G. GRCh37 (hg19) VCF-style: chr7-140508783-A-G.
Other names: c.517T>C, p.Cys173Arg (NM_001354609.2, NM_001374244.1, NM_001374258.1 and 5 more transcripts); c.415T>C, p.Cys139Arg (NM_001378470.1); c.361T>C, p.Cys121Arg (NM_001378472.1, NM_001378473.1); c.253T>C, p.Cys85Arg (NM_001378475.1); short protein forms C173R, C121R, C139R, C85R.
Identifiers: ClinVar variation 426508 (VCV000426508.4), dbSNP rs749677118, ClinGen allele CA4516950.